The following is an entry in ClinVar:

NM_000553.6(WRN):c.3094T>C (p.Ser1032Pro)

Gene: WRN (WRN RecQ like helicase; plus strand). Cytogenetic location: 8p12.
Variant type: single nucleotide variant.
Coding change: c.3094T>C on transcript NM_000553.6 (MANE Select); coding-DNA position 3094, T replaced by C.
Protein change: p.Ser1032Pro; replaces serine 1032 with proline.
Molecular consequence: missense variant.
Genome position (GRCh38, 1-based): chr8:31,141,556, T>C. VCF-style: chr8-31141556-T-C. GRCh37 (hg19) VCF-style: chr8-30999072-T-C.
Other names: c.3094T>C (NM_000553.4); short protein forms S1032P.
Identifiers: ClinVar variation 1440110 (VCV001440110.5), dbSNP rs1802631623, ClinGen allele CA370922331.

ClinVar aggregate classification (germline): Uncertain significance (1 of 4 stars; one submission).

Conditions:
Werner syndrome (WRN). Identifiers: Orphanet 902, MedGen C0043119, MONDO:0010196, OMIM 277700.

Allele frequency attached by ClinVar (database versions not stated): TOPMed below 0.00001; gnomAD 0.00001.

Submission:

Labcorp Genetics (formerly Invitae), Labcorp
Classification: Uncertain significance for Werner syndrome. Last evaluated: 2021-09-01. Review status: criteria provided, single submitter. Criteria: Invitae Variant Classification Sherloc (09022015). Collection method: clinical testing. Allele origin: germline.